The following is an entry in ClinVar:

ClinVar aggregate classification (germline): Uncertain significance. Review status: criteria provided, multiple submitters, no conflicts (2 of 4 stars). 3 submissions from 3 submitters: Uncertain significance (2). 1 of the submissions does not count toward it. Last evaluated 2024-12-08.

Conditions:
Fanconi anemia (FA). Also called: Fanconi's anemia. Identifiers: Orphanet 84, MedGen C0015625, MeSH D005199, MONDO:0019391.
Inborn genetic diseases. Identifiers: MedGen C0950123, MeSH D030342.

Allele frequency attached by ClinVar (database versions not stated): gnomAD exomes 0.00001; TOPMed below 0.00001; gnomAD 0.00001.
gnomAD v4.1: 8 of 1,610,644 alleles (0.0005%); highest among the groups gnomAD compares: Non-Finnish European, 0.00068%; no homozygotes.

Submissions (3):

Ambry Genetics
Classification: Uncertain significance for Inborn genetic diseases. Last evaluated: 2024-12-08. Review status: criteria provided, single submitter. Criteria: Ambry Variant Classification Scheme 2023. Collection method: clinical testing. Allele origin: germline.
Comment: The p.I865S variant (also known as c.2594T>G), located in coding exon 27 of the FANCA gene, results from a T to G substitution at nucleotide position 2594. The isoleucine at codon 865 is replaced by serine, an amino acid with dissimilar properties. This amino acid position is conserved. In addition, the in silico prediction for this alteration is inconclusive. Based on the available evidence, the clinical significance of this variant remains unclear.

Labcorp Genetics (formerly Invitae), Labcorp
Classification: Uncertain significance for Fanconi anemia. Last evaluated: 2022-09-21. Review status: criteria provided, single submitter. Criteria: Invitae Variant Classification Sherloc (09022015). Collection method: clinical testing. Allele origin: germline.
Comment: This sequence change replaces isoleucine, which is neutral and non-polar, with serine, which is neutral and polar, at codon 865 of the FANCA protein (p.Ile865Ser). This variant is present in population databases (no rsID available, gnomAD 0.002%). This variant has not been reported in the literature in individuals affected with FANCA-related conditions. ClinVar contains an entry for this variant (Variation ID: 582426). Advanced modeling of protein sequence and biophysical properties (such as structural, functional, and spatial information, amino acid conservation, physicochemical variation, residue mobility, and thermodynamic stability) has been performed at Invitae for this missense variant, however the output from this modeling did not meet the statistical confidence thresholds required to predict the impact of this variant on FANCA protein function. In summary, the available evidence is currently insufficient to determine the role of this variant in disease. Therefore, it has been classified as a Variant of Uncertain Significance.

Natera, Inc.
Classification: Uncertain significance for Fanconi anemia. Last evaluated: 2025-03-11. Review status: no assertion criteria provided. Collection method: clinical testing. Allele origin: germline. Not counted in ClinVar's aggregate classification.

NM_000135.4(FANCA):c.2594T>G (p.Ile865Ser)

Gene: FANCA (FA complementation group A; minus strand). Cytogenetic location: 16q24.3.
Variant type: single nucleotide variant.
Coding change: c.2594T>G on transcript NM_000135.4 (MANE Select); coding-DNA position 2594, T replaced by G.
Protein change: p.Ile865Ser; replaces isoleucine 865 with serine.
Molecular consequence: missense variant.
Genome position (GRCh38, 1-based): chr16:89,767,148, A>C on the plus strand (T>G on the coding strand, the complement: FANCA is on the minus strand). VCF-style: chr16-89767148-A-C. GRCh37 (hg19) VCF-style: chr16-89833556-A-C.
Other names: c.2594T>G (LRG_495t1, NM_000135.3); c.2594T>G, p.Ile865Ser (NM_001286167.3); short protein forms I865S.
Identifiers: ClinVar variation 582426 (VCV000582426.8), dbSNP rs1331781220, ClinGen allele CA397440379.